The following is an entry in ClinVar:

ClinVar aggregate classification (germline): Uncertain significance (1 of 4 stars; one submission).

Conditions:
Fanconi anemia (FA). Also called: Fanconi's anemia. Identifiers: Orphanet 84, MedGen C0015625, MeSH D005199, MONDO:0019391.

Submission:

Labcorp Genetics (formerly Invitae), Labcorp
Classification: Uncertain significance for Fanconi anemia. Last evaluated: 2019-01-21. Review status: criteria provided, single submitter. Criteria: Invitae Variant Classification Sherloc (09022015). Collection method: clinical testing. Allele origin: germline.
Comment: This variant is not present in population databases (ExAC no frequency). This sequence change replaces lysine with glutamic acid at codon 285 of the FANCM protein (p.Lys285Glu). The lysine residue is weakly conserved and there is a small physicochemical difference between lysine and glutamic acid. This variant has not been reported in the literature in individuals with FANCM-related conditions. Algorithms developed to predict the effect of missense changes on protein structure and function (SIFT, PolyPhen-2, Align-GVGD) all suggest that this variant is likely to be tolerated, but these predictions have not been confirmed by published functional studies and their clinical significance is uncertain. In summary, the available evidence is currently insufficient to determine the role of this variant in disease. Therefore, it has been classified as a Variant of Uncertain Significance.

NM_020937.4(FANCM):c.853A>G (p.Lys285Glu)

Gene: FANCM (FA complementation group M; plus strand). Cytogenetic location: 14q21.2.
Variant type: single nucleotide variant.
Coding change: c.853A>G on transcript NM_020937.4 (MANE Select); coding-DNA position 853, A replaced by G.
Protein change: p.Lys285Glu; replaces lysine 285 with glutamic acid.
Molecular consequence: missense variant.
Genome position (GRCh38, 1-based): chr14:45,148,930, A>G. VCF-style: chr14-45148930-A-G. GRCh37 (hg19) VCF-style: chr14-45618133-A-G.
Other names: c.775A>G, p.Lys259Glu (NM_001308133.2); c.853A>G, p.Lys285Glu (NM_001308134.2); short protein forms K285E, K259E.
Identifiers: ClinVar variation 855924 (VCV000855924.9), dbSNP rs1428587779, ClinGen allele CA389590031.